The following is an entry in ClinVar:

ClinVar aggregate classification (germline): Pathogenic (1 of 4 stars; one submission).

Conditions:
Fabry disease. Also called: ALPHA-GALACTOSIDASE A DEFICIENCY; ANDERSON-FABRY DISEASE; CERAMIDE TRIHEXOSIDASE DEFICIENCY; GLA DEFICIENCY; HEREDITARY DYSTOPIC LIPIDOSIS; Angiokeratoma corporis diffusum. Identifiers: Orphanet 324, MedGen C0002986, MONDO:0010526, OMIM 301500, HP:0001071. Disease mechanism: Fabry disease is due to inactivating mutations in the X-linked GLA gene resulting in deficiency of the enzyme Alpha Galactosidase-A., loss of function.

Submission:

Genomenon, Inc
Classification: Pathogenic for Fabry disease. Last evaluated: 2026-09-08. Review status: criteria provided, single submitter. Criteria: Genomenon Sequence Variant Interpretation Standards - Updated. Collection method: curation. Allele origin: germline. Affected: yes.
Comment: GLA p.Trp245GlyfsTer24 (c.733del) is a frameshift variant that is predicted to introduce a premature termination codon and result in a truncated or absent protein product. This variant has been observed in at least one proband with clinical features consistent with Fabry disease (PMID:30386727). It is absent or not present at a significant frequency in gnomAD. In conclusion, we classify GLA p.Trp245GlyfsTer24 (c.733del) as a pathogenic variant.

Literature cited by the submitters: PubMed 30386727.

NM_000169.3(GLA):c.733del (p.Trp245fs)

Genes: GLA (galactosidase alpha; minus strand), RPL36A-HNRNPH2 (RPL36A-HNRNPH2 readthrough; plus strand). Cytogenetic location: Xq22.1.
Variant type: Deletion.
Coding change: c.733del on transcript NM_000169.3 (MANE Select); coding-DNA position 733, one base deleted (T; older notation c.733delT).
Protein change: p.Trp245fs; shifts the reading frame from tryptophan 245.
Molecular consequence: frameshift variant. On other transcripts: non-coding transcript variant (3), intron variant (2).
Genome position (GRCh38, 1-based): chrX:101,398,853, A deleted on the plus strand (T on the coding strand, the reverse complement: GLA is on the minus strand). VCF-style (leftmost placement, unchanged base first): chrX-101398852-CA-C. GRCh37 (hg19) VCF-style: chrX-100653840-CA-C.
Other names: c.856del, p.Trp286fs (NM_001406747.1); c.733del, p.Trp245fs (NM_001406748.1); c.300+3396del (NM_001199973.2); c.177+7031del (NM_001199974.2); short protein forms W245fs, W286fs.
Identifiers: ClinVar variation 4086996 (VCV004086996.2).